The following is an entry in ClinVar:

NM_006846.4(SPINK5):c.2313+51G>A

Gene: SPINK5 (serine peptidase inhibitor Kazal type 5; plus strand). Cytogenetic location: 5q32.
Variant type: single nucleotide variant.
Coding change: c.2313+51G>A on transcript NM_006846.4 (MANE Select); 51 bases into the intron after coding-DNA position 2313, G replaced by A.
Molecular consequence: intron variant.
Genome position (GRCh38, 1-based): chr5:148,119,109, G>A. VCF-style: chr5-148119109-G-A. GRCh37 (hg19) VCF-style: chr5-147498672-G-A.
Other names: c.2313+51G>A (NM_001127698.2, NM_001127699.2).
Identifiers: ClinVar variation 1249312 (VCV001249312.4), dbSNP rs12518996, ClinGen allele CA3495953.

ClinVar aggregate classification (germline): Benign. Review status: criteria provided, multiple submitters, no conflicts (2 of 4 stars). 2 submissions from 2 submitters: Benign (2). Last evaluated 2024-01-24.

Allele frequency attached by ClinVar (database versions not stated): 1000 Genomes Project 0.48842; 1000 Genomes Project 30x 0.48844; ESP Exome Variant Server 0.53213; TOPMed 0.53623; gnomAD 0.54077 and 0.54141; ExAC 0.58167; gnomAD exomes 0.59290 and 0.60821.
gnomAD v4.1: 934,072 of 1,554,484 alleles (60%); highest among the groups gnomAD compares: Admixed American, 70%; 285,425 homozygotes.

Submissions (2):

Unidad de Genómica Garrahan, Hospital de Pediatría Garrahan
Classification: Benign. Last evaluated: 2024-01-24. Review status: criteria provided, single submitter. Criteria: ACMG Guidelines, 2015. Collection method: clinical testing. Allele origin: germline. Affected: no. Observed: 80 variant alleles.
Comment: This variant is classified as Benign based on local population frequency. This variant was detected in 91% of patients studied by a panel of primary immunodeficiencies. Number of patients: 80. Only high quality variants are reported.

GeneDx
Classification: Benign. Last evaluated: 2015-03-03. Review status: criteria provided, single submitter. Criteria: GeneDx Variant Classification Process June 2021. Collection method: clinical testing. Allele origin: germline. Affected: yes.